The following is an entry in ClinVar:

NM_000045.4(ARG1):c.595T>G (p.Ser199Ala)

Genes: ARG1 (arginase 1; plus strand), MED23 (mediator complex subunit 23; minus strand). Cytogenetic location: 6q23.2.
Variant type: single nucleotide variant.
Coding change: c.595T>G on transcript NM_000045.4 (MANE Select); coding-DNA position 595, T replaced by G.
Protein change: p.Ser199Ala; replaces serine 199 with alanine.
Molecular consequence: missense variant. On other transcripts: non-coding transcript variant (1), intron variant (2).
Genome position (GRCh38, 1-based): chr6:131,583,094, T>G. VCF-style: chr6-131583094-T-G. GRCh37 (hg19) VCF-style: chr6-131904234-T-G.
Other names: c.619T>G, p.Ser207Ala (NM_001244438.2); c.340T>G, p.Ser114Ala (NM_001369020.1); c.4077+4615A>C (NM_001270521.2); c.4095+4615A>C (NM_015979.4); short protein forms S114A, S199A, S207A.
Identifiers: ClinVar variation 1409376 (VCV001409376.8), dbSNP rs1313116151, ClinGen allele CA365651879.
Genomic context (GRCh38, chr6:131,583,094, plus strand): 5'-TAATTATCTTAATTTCTCTTTTATAGCTACATTTTGAAAACTCTAGGCATTAAATACTTT[T>G]CAATGACTGAAGTGGACAGACTAGGAATTGGCAAGGTGATGGAAGAAACACTCAGCTATC-3'
Protein context (NP_000036.2, residues 189-209): ILKTLGIKYF[Ser199Ala]MTEVDRLGIG

ClinVar aggregate classification (germline): Uncertain significance (1 of 4 stars; one submission).

Conditions:
Arginase deficiency. Also called: ARGININEMIA; ARG1 DEFICIENCY; Arginase 1 Deficiency. Identifiers: Orphanet 90, MedGen C0268548, MONDO:0008814, OMIM 207800.

Allele frequency attached by ClinVar (database versions not stated): gnomAD exomes below 0.00001; TOPMed 0.00002.
gnomAD v4.1: 3 of 1,613,800 alleles (0.00019%); highest among the groups gnomAD compares: African/African-American, 0.004%; no homozygotes.

Submission:

Labcorp Genetics (formerly Invitae), Labcorp
Classification: Uncertain significance for Arginase deficiency. Last evaluated: 2020-11-24. Review status: criteria provided, single submitter. Criteria: Invitae Variant Classification Sherloc (09022015). Collection method: clinical testing. Allele origin: germline.
Comment: In summary, the available evidence is currently insufficient to determine the role of this variant in disease. Therefore, it has been classified as a Variant of Uncertain Significance. Algorithms developed to predict the effect of missense changes on protein structure and function are either unavailable or do not agree on the potential impact of this missense change (SIFT: "Tolerated"; PolyPhen-2: "Possibly Damaging"; Align-GVGD: "Class C0"). This variant has not been reported in the literature in individuals with ARG1-related conditions. This variant is not present in population databases (ExAC no frequency). This sequence change replaces serine with alanine at codon 199 of the ARG1 protein (p.Ser199Ala). The serine residue is highly conserved and there is a moderate physicochemical difference between serine and alanine.